The following is an entry in ClinVar:

ClinVar aggregate classification (germline): Uncertain significance. Review status: criteria provided, multiple submitters, no conflicts (2 of 4 stars). 2 submissions from 2 submitters: Uncertain significance (2). Last evaluated 2020-10-14.

Conditions:
Androgen resistance syndrome (AIS). Also called: ANDROGEN RECEPTOR DEFICIENCY; DIHYDROTESTOSTERONE RECEPTOR DEFICIENCY; TESTICULAR FEMINIZATION SYNDROME; Androgen insensitivity syndrome; Androgen insensitivity, complete; DHTR DEFICIENCY. Identifiers: Orphanet 754, Orphanet 99429, MedGen C0039585, MONDO:0019154, OMIM 300068. Disease mechanism: loss of function.
Kennedy disease (SMAX1). Also called: KENNEDY SPINAL AND BULBAR MUSCULAR ATROPHY; Spinal and Bulbar Muscular Atrophy; SPINAL AND BULBAR MUSCULAR ATROPHY, X-LINKED 1. Identifiers: Orphanet 481, MedGen C1839259, MONDO:0010735, OMIM 313200.

Submissions (2):

Labcorp Genetics (formerly Invitae), Labcorp
Classification: Uncertain significance for Kennedy disease; Androgen resistance syndrome. Last evaluated: 2020-10-14. Review status: criteria provided, single submitter. Criteria: Invitae Variant Classification Sherloc (09022015). Collection method: clinical testing. Allele origin: germline.
Comment: This sequence change replaces lysine with asparagine at codon 778 of the AR protein (p.Lys778Asn). The lysine residue is moderately conserved and there is a moderate physicochemical difference between lysine and asparagine. This variant is not present in population databases (ExAC no frequency). This variant has not been reported in the literature in individuals with AR-related conditions. Algorithms developed to predict the effect of missense changes on protein structure and function are either unavailable or do not agree on the potential impact of this missense change (SIFT: "Tolerated"; PolyPhen-2: "Probably Damaging"; Align-GVGD: "Class C0"). In summary, the available evidence is currently insufficient to determine the role of this variant in disease. Therefore, it has been classified as a Variant of Uncertain Significance.

Revvity Omics, Revvity
Classification: Uncertain significance. Last evaluated: 2020-09-25. Review status: criteria provided, single submitter. Criteria: ACMG Guidelines, 2015. Collection method: clinical testing. Allele origin: germline.

NM_000044.6(AR):c.2334G>T (p.Lys778Asn)

Gene: AR (androgen receptor; plus strand). Cytogenetic location: Xq12.
Variant type: single nucleotide variant.
Coding change: c.2334G>T on transcript NM_000044.6 (MANE Select); coding-DNA position 2334, G replaced by T.
Protein change: p.Lys778Asn; replaces lysine 778 with asparagine.
Molecular consequence: missense variant.
Genome position (GRCh38, 1-based): chrX:67,721,848, G>T. VCF-style: chrX-67721848-G-T. GRCh37 (hg19) VCF-style: chrX-66941690-G-T.
Other names: c.738G>T, p.Lys246Asn (NM_001011645.3); c.2334G>T (NM_000044.3); short protein forms K246N, K778N.
Identifiers: ClinVar variation 1025856 (VCV001025856.11), dbSNP rs2076137260, ClinGen allele CA413426428.
Genomic context (GRCh38, chrX:67,721,848, plus strand): 5'-TAAACTTCCCCTCATTCCTTTTTCCTCTGTGTATCTCCTTCCCAGGTACCGCATGCACAA[G>T]TCCCGGATGTACAGCCAGTGTGTCCGAATGAGGCACCTCTCTCAAGAGTTTGGATGGCTC-3'
Protein context (NP_000035.2, residues 768-788): DLVFNEYRMH[Lys778Asn]SRMYSQCVRM